The following is an entry in ClinVar:

NM_000203.5(IDUA):c.794G>C (p.Gly265Ala)

Gene: IDUA (alpha-L-iduronidase; plus strand). Cytogenetic location: 4p16.3.
Variant type: single nucleotide variant.
Coding change: c.794G>C on transcript NM_000203.5 (MANE Select); coding-DNA position 794, G replaced by C.
Protein change: p.Gly265Ala; replaces glycine 265 with alanine.
Molecular consequence: missense variant. On other transcripts: non-coding transcript variant (1).
Genome position (GRCh38, 1-based): chr4:1,001,983, G>C. VCF-style: chr4-1001983-G-C. GRCh37 (hg19) VCF-style: chr4-995771-G-C.
Other names: c.398G>C, p.Gly133Ala (NM_001363576.1); short protein forms G133A, G265A.
Identifiers: ClinVar variation 4535919 (VCV004535919.1).

ClinVar aggregate classification (germline): Uncertain significance (1 of 4 stars; one submission).

Submission:

Women's Health and Genetics/Laboratory Corporation of America, LabCorp
Classification: Uncertain significance. Last evaluated: 2025-09-02. Review status: criteria provided, single submitter. Criteria: LabCorp Variant Classification Summary - May 2015. Collection method: clinical testing. Allele origin: germline.
Comment: Variant summary: IDUA c.794G>C (p.Gly265Ala) results in a non-conservative amino acid change in the encoded protein sequence. Algorithms developed to predict the effect of missense changes on protein structure and function all suggest that this variant is likely to be disruptive. The variant was absent in 193612 control chromosomes. The available data on variant occurrences in the general population are insufficient to allow any conclusion about variant significance. To our knowledge, no occurrence of c.794G>C in individuals affected with IDUA-related conditions and no experimental evidence demonstrating its impact on protein function have been reported. No submitters have cited clinical-significance assessments for this variant to ClinVar. Based on the evidence outlined above, the variant was classified as uncertain significance.